The following is an entry in ClinVar:

ClinVar aggregate classification (germline): Likely benign. Review status: criteria provided, single submitter (1 of 4 stars). 2 submissions from 2 submitters: Likely benign (1). 1 of the submissions does not count toward it. Last evaluated 2026-01-28.

Conditions:
COL17A1-related disorder. Also called: COL17A1-related condition.

Allele frequency attached by ClinVar (database versions not stated): gnomAD 0.00007; ESP Exome Variant Server 0.00008; gnomAD exomes 0.00016; ExAC 0.00009.
gnomAD v4.1: 230 of 1,613,412 alleles (0.014%); highest among the groups gnomAD compares: Non-Finnish European, 0.018%; no homozygotes.

Submissions (2):

Labcorp Genetics (formerly Invitae), Labcorp
Classification: Likely benign. Last evaluated: 2026-01-28. Review status: criteria provided, single submitter. Criteria: Invitae Variant Classification Sherloc (09022015). Collection method: clinical testing. Allele origin: germline.

PreventionGenetics, part of Exact Sciences
Classification: Likely benign for COL17A1-related condition. Last evaluated: 2019-06-06. Review status: no assertion criteria provided. Collection method: clinical testing. Allele origin: germline. Not counted in ClinVar's aggregate classification.
Comment: This variant is classified as likely benign based on ACMG/AMP sequence variant interpretation guidelines (Richards et al. 2015 PMID: 25741868, with internal and published modifications).

NM_000494.4(COL17A1):c.2982G>A (p.Pro994=)

Gene: COL17A1 (collagen type XVII alpha 1 chain; minus strand). Cytogenetic location: 10q25.1.
Variant type: single nucleotide variant.
Coding change: c.2982G>A on transcript NM_000494.4 (MANE Select); coding-DNA position 2982, G replaced by A.
Protein change: p.Pro994=; no amino-acid change (proline 994 retained).
Molecular consequence: synonymous variant.
Genome position (GRCh38, 1-based): chr10:104,038,494, C>T on the plus strand (G>A on the coding strand, the complement: COL17A1 is on the minus strand). VCF-style: chr10-104038494-C-T. GRCh37 (hg19) VCF-style: chr10-105798252-C-T.
Other names: c.2982G>A (NM_000494.3).
Identifiers: ClinVar variation 2867182 (VCV002867182.5), dbSNP rs372181801, ClinGen allele CA5678143.